The following is an entry in ClinVar:

ClinVar aggregate classification (germline): Uncertain significance (1 of 4 stars; one submission).

Conditions:
Progressive encephalopathy with leukodystrophy due to DECR deficiency. Identifiers: Orphanet 431361, MedGen C1857252, MONDO:0014464, OMIM 616034.

Allele frequency attached by ClinVar (database versions not stated): gnomAD exomes below 0.00001 and 0.00001; ExAC 0.00003.
gnomAD v4.1: 7 of 1,569,008 alleles (0.00045%); highest among the groups gnomAD compares: Non-Finnish European, 0.00051%; no homozygotes.

Submission:

Labcorp Genetics (formerly Invitae), Labcorp
Classification: Uncertain significance for Progressive encephalopathy with leukodystrophy due to DECR deficiency. Last evaluated: 2021-06-13. Review status: criteria provided, single submitter. Criteria: Invitae Variant Classification Sherloc (09022015). Collection method: clinical testing. Allele origin: germline.
Comment: In summary, the available evidence is currently insufficient to determine the role of this variant in disease. Therefore, it has been classified as a Variant of Uncertain Significance. Algorithms developed to predict the effect of sequence changes on RNA splicing suggest that this variant may create or strengthen a splice site, but this prediction has not been confirmed by published transcriptional studies. This variant has not been reported in the literature in individuals with NADK2-related conditions. This variant is present in population databases (rs761334258, ExAC 0.06%). This sequence change affects codon 88 of the NADK2 mRNA. It is a 'silent' change, meaning that it does not change the encoded amino acid sequence of the NADK2 protein.

NM_001085411.3(NADK2):c.264T>G (p.Arg88=)

Genes: NADK2 (NAD kinase 2, mitochondrial; minus strand), LOC129993801 (ATAC-STARR-seq lymphoblastoid silent region 15972; plus strand). Cytogenetic location: 5p13.2.
Variant type: single nucleotide variant.
Coding change: c.264T>G on transcript NM_001085411.3 (MANE Select); coding-DNA position 264, T replaced by G.
Protein change: p.Arg88=; no amino-acid change (arginine 88 retained).
Molecular consequence: synonymous variant. On other transcripts: intron variant (2).
Genome position (GRCh38, 1-based): chr5:36,241,535, A>C on the plus strand (T>G on the coding strand, the complement: NADK2 is on the minus strand). VCF-style: chr5-36241535-A-C. GRCh37 (hg19) VCF-style: chr5-36241637-A-C.
Other names: c.-190+561T>G (NM_153013.5, NM_001287341.2).
Identifiers: ClinVar variation 1498255 (VCV001498255.8), dbSNP rs761334258, ClinGen allele CA3234791.